The following is an entry in ClinVar:

NM_001166108.2(PALLD):c.590C>A (p.Ser197Tyr)

Gene: PALLD (palladin, cytoskeletal associated protein; plus strand). Cytogenetic location: 4q32.3.
Variant type: single nucleotide variant.
Coding change: c.590C>A on transcript NM_001166108.2 (MANE Select); coding-DNA position 590, C replaced by A.
Protein change: p.Ser197Tyr; replaces serine 197 with tyrosine.
Molecular consequence: missense variant.
Genome position (GRCh38, 1-based): chr4:168,512,094, C>A. VCF-style: chr4-168512094-C-A. GRCh37 (hg19) VCF-style: chr4-169433245-C-A.
Other names: c.590C>A, p.Ser197Tyr (NM_016081.4); short protein forms S197Y.
Identifiers: ClinVar variation 3413648 (VCV003413648.1).

ClinVar aggregate classification (germline): Uncertain significance (1 of 4 stars; one submission).

Submission:

Ambry Genetics
Classification: Uncertain significance. Last evaluated: 2024-10-23. Review status: criteria provided, single submitter. Criteria: Ambry Variant Classification Scheme 2023. Collection method: clinical testing. Allele origin: germline.
Comment: The p.S197Y variant (also known as c.590C>A), located in coding exon 1 of the PALLD gene, results from a C to A substitution at nucleotide position 590. The serine at codon 197 is replaced by tyrosine, an amino acid with dissimilar properties. This amino acid position is conserved. In addition, the in silico prediction for this alteration is inconclusive. Based on the available evidence, the clinical significance of this variant remains unclear.